The following is an entry in ClinVar:

NM_000548.5(TSC2):c.5252G>A (p.Arg1751His)

Gene: TSC2 (TSC complex subunit 2; plus strand). Cytogenetic location: 16p13.3.
Variant type: single nucleotide variant.
Coding change: c.5252G>A on transcript NM_000548.5 (MANE Select); coding-DNA position 5252, G replaced by A.
Protein change: p.Arg1751His; replaces arginine 1751 with histidine.
Molecular consequence: missense variant.
Genome position (GRCh38, 1-based): chr16:2,088,318, G>A. VCF-style: chr16-2088318-G-A. GRCh37 (hg19) VCF-style: chr16-2138319-G-A.
Other names: p.R1751H:CGC>CAC; c.5051G>A, p.Arg1684His (NM_001077183.3); c.5183G>A, p.Arg1728His (NM_001114382.3); c.4943G>A, p.Arg1648His (NM_001318827.2); c.4907G>A, p.Arg1636His (NM_001318829.2); c.4520G>A, p.Arg1507His (NM_001318831.2); c.5084G>A, p.Arg1695His (NM_001318832.2); c.5054G>A, p.Arg1685His (NM_001363528.2); and 4 more; short protein forms R1751H, R1507H, R1636H, R1707H, R1708H, R1685H, R1648H, R1704H.
Identifiers: ClinVar variation 207760 (VCV000207760.25), dbSNP rs373365980, ClinGen allele CA054581.

ClinVar aggregate classification (germline): Conflicting classifications of pathogenicity. Review status: criteria provided, conflicting classifications (1 of 4 stars). 11 submissions from 11 submitters: Uncertain significance (7); Benign (1); Likely benign (2). 1 of the submissions does not count toward it. Last evaluated 2026-02-02.

Conditions:
TSC2-related disorder. Also called: TSC2-Related Disorders; TSC2-related condition.
Hereditary cancer-predisposing syndrome. Also called: Hereditary Cancer Syndrome; Neoplastic Syndromes, Hereditary; Tumor predisposition; Hereditary neoplastic syndrome. Identifiers: Orphanet 140162, MedGen C0027672, MeSH D009386, MONDO:0015356.
Ovarian cancer. Also called: OVARIAN CANCER, SOMATIC. Identifiers: Orphanet 213500, MedGen C1140680, MONDO:0008170, OMIM 167000.
Tuberous sclerosis syndrome (TSC). Also called: Tuberous sclerosis; Tuberous Sclerosis Complex. Identifiers: Orphanet 805, MedGen C0041341, MONDO:0001734.
Tuberous sclerosis 2 (TSC2). Identifiers: Orphanet 805, MedGen C1860707, MONDO:0013199, OMIM 613254.

Allele frequency attached by ClinVar (database versions not stated): gnomAD exomes 0.00001 and 0.00002; ExAC 0.00002; gnomAD 0.00002; TOPMed 0.00002; ESP Exome Variant Server 0.00008.
gnomAD v4.1: 34 of 1,612,476 alleles (0.0021%); highest among the groups gnomAD compares: East Asian, 0.0045%; no homozygotes.

Submissions (11):

Labcorp Genetics (formerly Invitae), Labcorp
Classification: Benign for Tuberous sclerosis 2. Last evaluated: 2026-02-02. Review status: criteria provided, single submitter. Criteria: Invitae Variant Classification Sherloc (09022015). Collection method: clinical testing. Allele origin: germline.

Quest Diagnostics Nichols Institute San Juan Capistrano
Classification: Uncertain significance. Last evaluated: 2025-08-11. Review status: criteria provided, single submitter. Criteria: Quest Diagnostics criteria. Collection method: clinical testing. Allele origin: unknown.
Comment: The TSC2 c.5252G>A (p.Arg1751His) variant has been reported in the published literature in an individual with breast cancer (PMID: 36315513 (2022)). The frequency of this variant in the general population (Genome Aggregation Database) is uninformative in the assessment of its pathogenicity. Analysis of this variant using bioinformatics tools for the prediction of the effect of amino acid changes on protein structure and function yielded predictions that this variant is damaging. Based on the available information, we are unable to determine the clinical significance of this variant.

PreventionGenetics, part of Exact Sciences
Classification: Uncertain significance for TSC2-related condition. Last evaluated: 2025-07-14. Review status: criteria provided, single submitter. Criteria: ACMG Guidelines, 2015. Collection method: clinical testing. Allele origin: germline.
Comment: The TSC2 c.5252G>A variant is predicted to result in the amino acid substitution p.Arg1751His. This variant was reported in an individual with breast cancer (Table S2, McDonald et al. 2022. PubMed ID: 36315513) and in another individual with lung cancer (Table S16, Jensson et al. 2023. PubMed ID: 37937776). This variant is reported in 0.0050% of alleles in individuals of East Asian descent in gnomAD and has conflicting interpretations of pathogenicity in ClinVar ranging from benign to uncertain. At this time, the clinical significance of this variant is uncertain due to the absence of conclusive functional and genetic evidence.

Athena Diagnostics
Classification: Uncertain significance. Last evaluated: 2025-03-03. Review status: criteria provided, single submitter. Criteria: Athena Diagnostics Criteria. Collection method: clinical testing. Allele origin: unknown.
Comment: Available data are insufficient to determine the clinical significance of the variant at this time. The frequency of this variant in the general population is uninformative in assessment of its pathogenicity. Polyphen and MutationTaster predict this amino acid change may be damaging to the protein.

Color Diagnostics, LLC DBA Color Health
Classification: Uncertain significance for Tuberous sclerosis syndrome. Last evaluated: 2024-04-18. Review status: criteria provided, single submitter. Criteria: ACMG Guidelines, 2015. Collection method: clinical testing. Allele origin: germline.
Comment: This missense variant replaces arginine with histidine at codon 1751 of the TSC2 protein. Computational prediction suggests that this variant may have deleterious impact on protein structure and function. To our knowledge, functional studies have not been reported for this variant. This variant has not been reported in individuals affected with TSC2-related disorders in the literature. This variant has been identified in 4/280662 chromosomes in the general population by the Genome Aggregation Database (gnomAD). The available evidence is insufficient to determine the role of this variant in disease conclusively. Therefore, this variant is classified as a Variant of Uncertain Significance.

Blueprint Genetics
Classification: Uncertain significance. Last evaluated: 2024-04-09. Review status: criteria provided, single submitter. Criteria: ACMG Guidelines, 2015. Collection method: clinical testing. Allele origin: germline.

Genome-Nilou Lab
Classification: Likely benign for Tuberous sclerosis 2. Last evaluated: 2021-11-07. Review status: criteria provided, single submitter. Criteria: ACMG Guidelines, 2015. Collection method: clinical testing. Allele origin: germline. Affected: no.

Ambry Genetics
Classification: Likely benign for Hereditary cancer-predisposing syndrome. Last evaluated: 2021-09-10. Review status: criteria provided, single submitter. Criteria: Ambry Variant Classification Scheme 2023. Collection method: clinical testing. Allele origin: germline.

Sema4
Classification: Uncertain significance for Hereditary cancer-predisposing syndrome. Last evaluated: 2021-08-26. Review status: criteria provided, single submitter. Criteria: Sema4 Curation Guidelines. Collection method: curation. Allele origin: germline.
Comment: The TSC2 c.5252G>A (p.R1751H) variant has not been reported in the literature to our knowledge. It was observed in 4/280662 chromosomes in the large and broad cohorts of the Genome Aggregation Database (PMID: 32461654). The variant has been reported in ClinVar (Variation ID 207760). In silico tools suggest the impact of the variant on protein function is deleterious, though these predictions have not been confirmed by functional studies. The evidence is insufficient to meet ACMG/AMP criteria for classifying the variant as benign or pathogenic. Thus, the clinical significance of this variant is currently uncertain.

GeneDx
Classification: Uncertain significance. Last evaluated: 2017-10-26. Review status: criteria provided, single submitter. Criteria: GeneDx Variant Classification (06012015). Collection method: clinical testing. Allele origin: germline. Affected: yes.
Comment: This variant is denoted TSC2 c.5252G>A at the cDNA level, p.Arg1751His (R1751H) at the protein level, and results in the change of an Arginine to a Histidine (CGC>CAC). This variant has not, to our knowledge, been published in the literature as pathogenic or benign. TSC2 Arg1751His was observed at an allele frequency of 0.01% (1/10,068 alleles) in large population cohorts (Lek 2016). This variant is located in the Rap-GAP domain (UniProt). In silico analysis, which includes protein predictors and evolutionary conservation, supports a deleterious effect. Based on currently available evidence, it is unclear whether TSC2 Arg1751His is a pathogenic or benign variant. We consider it to be a variant of uncertain significance.

Laboratory of Molecular Epidemiology of Birth Defects, West China Second University Hospital, Sichuan University
Classification: Likely pathogenic for Ovarian cancer. Last evaluated: 2022-01-01. Review status: flagged submission. Criteria: ACMG Guidelines, 2015. Collection method: clinical testing. Allele origin: germline. Affected: yes. Not counted in ClinVar's aggregate classification.
ClinVar note: Reason: Outlier claim with insufficient supporting evidence

Literature cited by the submitters: PubMed 36315513 (cited by Quest Diagnostics Nichols Institute San Juan Capistrano and Athena Diagnostics); PubMed 37937776 (cited by Quest Diagnostics Nichols Institute San Juan Capistrano and Athena Diagnostics).